The following is an entry in ClinVar:

ClinVar aggregate classification (germline): Likely benign (1 of 4 stars; one submission).

Conditions:
Malignant hyperthermia, susceptibility to, 5 (MHS5). Also called: CACNA1S-Related Malignant Hyperthermia Susceptibility. Identifiers: Orphanet 423, MedGen C1866077, MONDO:0011163, OMIM 601887.

Submission:

All of Us Research Program, National Institutes of Health
Classification: Likely benign for Malignant hyperthermia, susceptibility to, 5. Last evaluated: 2023-10-02. Review status: criteria provided, single submitter. Criteria: ACMG Guidelines, 2015. Collection method: clinical testing. Allele origin: germline. Inheritance: Autosomal dominant inheritance. Observed: 1 variant allele, 1 heterozygote.
Comment: This study involves interpretation of variants in research participants for the purpose of population health screening. Participant phenotype was not available at the time of variant classification. Additional details can be found in publication PMID: 35346344, PMCID: PMC8962531

NM_000069.3(CACNA1S):c.1869G>T (p.Gly623=)

Gene: CACNA1S (calcium voltage-gated channel subunit alpha1 S; minus strand). Cytogenetic location: 1q32.1.
Variant type: single nucleotide variant.
Coding change: c.1869G>T on transcript NM_000069.3 (MANE Select); coding-DNA position 1869, G replaced by T.
Protein change: p.Gly623=; no amino-acid change (glycine 623 retained).
Molecular consequence: synonymous variant.
Genome position (GRCh38, 1-based): chr1:201,075,574, C>A on the plus strand (G>T on the coding strand, the complement: CACNA1S is on the minus strand). VCF-style: chr1-201075574-C-A. GRCh37 (hg19) VCF-style: chr1-201044702-C-A.
Identifiers: ClinVar variation 3073636 (VCV003073636.1), dbSNP rs1279664077, ClinGen allele CA422689059.